The following is an entry in ClinVar:

NM_017999.5(RNF31):c.2704T>C (p.Tyr902His)

Gene: RNF31 (ring finger protein 31; plus strand). Cytogenetic location: 14q12.
Variant type: single nucleotide variant.
Coding change: c.2704T>C on transcript NM_017999.5 (MANE Select); coding-DNA position 2704, T replaced by C.
Protein change: p.Tyr902His; replaces tyrosine 902 with histidine.
Molecular consequence: missense variant.
Genome position (GRCh38, 1-based): chr14:24,157,615, T>C. VCF-style: chr14-24157615-T-C. GRCh37 (hg19) VCF-style: chr14-24626824-T-C.
Other names: c.2251T>C, p.Tyr751His (NM_001310332.2); short protein forms Y751H, Y902H.
Identifiers: ClinVar variation 1399275 (VCV001399275.8), dbSNP rs1171953231, ClinGen allele CA389306354.
Genomic context (GRCh38, chr14:24,157,615, plus strand): 5'-CGAGGAGGCTGCATGCACTTTCACTGTACCCAGTGCCGCCACCAGTTCTGCAGCGGCTGC[T>C]ACAATGCCTTTTACGCCAAGAATGTAAGCCCAGAGAGTTGGGGAAGGGGTGGAAGGGTGG-3'
Protein context (NP_060469.4, residues 892-912): QCRHQFCSGC[Tyr902His]NAFYAKNKCP

ClinVar aggregate classification (germline): Uncertain significance (1 of 4 stars; one submission).

Allele frequency attached by ClinVar (database versions not stated): gnomAD exomes below 0.00001.
gnomAD v4.1: 5 of 1,614,012 alleles (0.00031%); highest among the groups gnomAD compares: East Asian, 0.0022%; no homozygotes.

Submission:

Labcorp Genetics (formerly Invitae), Labcorp
Classification: Uncertain significance. Last evaluated: 2025-06-14. Review status: criteria provided, single submitter. Criteria: Invitae Variant Classification Sherloc (09022015). Collection method: clinical testing. Allele origin: germline.
Comment: This sequence change replaces tyrosine, which is neutral and polar, with histidine, which is basic and polar, at codon 902 of the RNF31 protein (p.Tyr902His). This variant is present in population databases (no rsID available, gnomAD 0.003%). This variant has not been reported in the literature in individuals affected with RNF31-related conditions. ClinVar contains an entry for this variant (Variation ID: 1399275). An algorithm developed to predict the effect of missense changes on protein structure and function (PolyPhen-2) suggests that this variant is likely to be disruptive. In summary, the available evidence is currently insufficient to determine the role of this variant in disease. Therefore, it has been classified as a Variant of Uncertain Significance.